The following is an entry in ClinVar:

ClinVar aggregate classification (germline): Uncertain significance. Review status: criteria provided, multiple submitters, no conflicts (2 of 4 stars). 2 submissions from 2 submitters: Uncertain significance (2). Last evaluated 2025-10-12.

Conditions:
Rienhoff syndrome. Also called: LOEYS-DIETZ SYNDROME 5. Identifiers: MedGen C3810012, MONDO:0014262, OMIM 615582.

gnomAD v4.1: 7 of 1,613,686 alleles (0.00043%); highest among the groups gnomAD compares: Non-Finnish European, 0.00051%; no homozygotes.

Submissions (2):

Labcorp Genetics (formerly Invitae), Labcorp
Classification: Uncertain significance for Rienhoff syndrome. Last evaluated: 2025-10-12. Review status: criteria provided, single submitter. Criteria: Invitae Variant Classification Sherloc (09022015). Collection method: clinical testing. Allele origin: germline.
Comment: This sequence change replaces threonine, which is neutral and polar, with serine, which is neutral and polar, at codon 367 of the TGFB3 protein (p.Thr367Ser). This variant is not present in population databases (gnomAD no frequency). This variant has not been reported in the literature in individuals affected with TGFB3-related conditions. ClinVar contains an entry for this variant (Variation ID: 3730242). Invitae Evidence Modeling of protein sequence and biophysical properties (such as structural, functional, and spatial information, amino acid conservation, physicochemical variation, residue mobility, and thermodynamic stability) indicates that this missense variant is not expected to disrupt TGFB3 protein function with a negative predictive value of 80%. In summary, the available evidence is currently insufficient to determine the role of this variant in disease. Therefore, it has been classified as a Variant of Uncertain Significance.

GeneDx
Classification: Uncertain significance. Last evaluated: 2024-10-28. Review status: criteria provided, single submitter. Criteria: GeneDx Variant Classification Process June 2021. Collection method: clinical testing. Allele origin: germline. Affected: yes.
Comment: Has not been previously published as pathogenic or benign to our knowledge; Not observed at significant frequency in large population cohorts (gnomAD); In silico analysis indicates that this missense variant does not alter protein structure/function

NM_003239.5(TGFB3):c.1099A>T (p.Thr367Ser)

Gene: TGFB3 (transforming growth factor beta 3; minus strand). Cytogenetic location: 14q24.3.
Variant type: single nucleotide variant.
Coding change: c.1099A>T on transcript NM_003239.5 (MANE Select); coding-DNA position 1099, A replaced by T.
Protein change: p.Thr367Ser; replaces threonine 367 with serine.
Molecular consequence: missense variant.
Genome position (GRCh38, 1-based): chr14:75,959,327, T>A on the plus strand (A>T on the coding strand, the complement: TGFB3 is on the minus strand). VCF-style: chr14-75959327-T-A. GRCh37 (hg19) VCF-style: chr14-76425670-T-A.
Other names: c.1099A>T, p.Thr367Ser (NM_001329939.2); short protein forms T367S.
Identifiers: ClinVar variation 3730242 (VCV003730242.3).
Genomic context (GRCh38, chr14:75,959,327, plus strand): 5'-TCAGGGGCTCCAGGTCCTGGGGCACGCAGCAAGGCGAGGCAGATGCTTCAGGGTTCAGAG[T>A]GTTGTACAGTCCCAGCACCTGGGAAGGGACATGTCAGTGAGAGGTTGGAAGGCCAAGTCT-3'
Protein context (NP_003230.1, residues 357-377): THSTVLGLYN[Thr367Ser]LNPEASASPC